The following is an entry in ClinVar:

NM_001372.4(DNAH9):c.1741G>A (p.Val581Met)

Gene: DNAH9 (dynein axonemal heavy chain 9; plus strand). Cytogenetic location: 17p12.
Variant type: single nucleotide variant.
Coding change: c.1741G>A on transcript NM_001372.4 (MANE Select); coding-DNA position 1741, G replaced by A.
Protein change: p.Val581Met; replaces valine 581 with methionine.
Molecular consequence: missense variant.
Genome position (GRCh38, 1-based): chr17:11,636,739, G>A. VCF-style: chr17-11636739-G-A. GRCh37 (hg19) VCF-style: chr17-11540056-G-A.
Other names: short protein forms V581M.
Identifiers: ClinVar variation 3503732 (VCV003503732.3).
Genomic context (GRCh38, chr17:11,636,739, plus strand): 5'-AGGGATACATCTGATAAATACCTGGTCCTCATCCAAATGTTCAACAAAGATCTGGATGCA[G>A]TGAGGATGATCTACAGTCAGCACGTCCAGGAGGAAGCAGAACTTGGTAGGCTTGTTAAAG-3'
Protein context (NP_001363.2, residues 571-591): IQMFNKDLDA[Val581Met]RMIYSQHVQE

ClinVar aggregate classification (germline): Uncertain significance. Review status: criteria provided, multiple submitters, no conflicts (2 of 4 stars). 2 submissions from 2 submitters: Uncertain significance (2). Last evaluated 2024-11-15.

Conditions:
Inborn genetic diseases. Identifiers: MedGen C0950123, MeSH D030342.

gnomAD v4.1: 95 of 1,613,990 alleles (0.0059%); highest among the groups gnomAD compares: Middle Eastern, 0.049%; no homozygotes.

Submissions (2):

Ambry Genetics
Classification: Uncertain significance for Inborn genetic diseases. Last evaluated: 2024-11-15. Review status: criteria provided, single submitter. Criteria: Ambry Variant Classification Scheme 2023. Collection method: clinical testing. Allele origin: germline.

Labcorp Genetics (formerly Invitae), Labcorp
Classification: Uncertain significance. Last evaluated: 2024-06-20. Review status: criteria provided, single submitter. Criteria: Invitae Variant Classification Sherloc (09022015). Collection method: clinical testing. Allele origin: germline.
Comment: This sequence change replaces valine, which is neutral and non-polar, with methionine, which is neutral and non-polar, at codon 581 of the DNAH9 protein (p.Val581Met). This variant is present in population databases (rs371695921, gnomAD 0.005%). This variant has not been reported in the literature in individuals affected with DNAH9-related conditions. An algorithm developed to predict the effect of missense changes on protein structure and function (PolyPhen-2) suggests that this variant is likely to be tolerated. In summary, the available evidence is currently insufficient to determine the role of this variant in disease. Therefore, it has been classified as a Variant of Uncertain Significance.